The following is an entry in ClinVar:

ClinVar aggregate classification (germline): Uncertain significance (1 of 4 stars; one submission).

Submission:

Labcorp Genetics (formerly Invitae), Labcorp
Classification: Uncertain significance. Last evaluated: 2024-10-22. Review status: criteria provided, single submitter. Criteria: Invitae Variant Classification Sherloc (09022015). Collection method: clinical testing. Allele origin: germline.
Comment: This sequence change replaces valine, which is neutral and non-polar, with leucine, which is neutral and non-polar, at codon 508 of the NOTCH3 protein (p.Val508Leu). This variant is not present in population databases (gnomAD no frequency). This variant has not been reported in the literature in individuals affected with NOTCH3-related conditions. Invitae Evidence Modeling of protein sequence and biophysical properties (such as structural, functional, and spatial information, amino acid conservation, physicochemical variation, residue mobility, and thermodynamic stability) indicates that this missense variant is not expected to disrupt NOTCH3 protein function with a negative predictive value of 95%. In summary, the available evidence is currently insufficient to determine the role of this variant in disease. Therefore, it has been classified as a Variant of Uncertain Significance.

NM_000435.3(NOTCH3):c.1522G>T (p.Val508Leu)

Gene: NOTCH3 (notch receptor 3; minus strand). Cytogenetic location: 19p13.12.
Variant type: single nucleotide variant.
Coding change: c.1522G>T on transcript NM_000435.3 (MANE Select); coding-DNA position 1522, G replaced by T.
Protein change: p.Val508Leu; replaces valine 508 with leucine.
Molecular consequence: missense variant.
Genome position (GRCh38, 1-based): chr19:15,187,965, C>A on the plus strand (G>T on the coding strand, the complement: NOTCH3 is on the minus strand). VCF-style: chr19-15187965-C-A. GRCh37 (hg19) VCF-style: chr19-15298776-C-A.
Other names: short protein forms V508L.
Identifiers: ClinVar variation 3636206 (VCV003636206.2).